The following is an entry in ClinVar:

NM_000465.4(BARD1):c.1137A>C (p.Lys379Asn)

Gene: BARD1 (BRCA1 associated RING domain 1; minus strand). Cytogenetic location: 2q35.
Variant type: single nucleotide variant.
Coding change: c.1137A>C on transcript NM_000465.4 (MANE Select); coding-DNA position 1137, A replaced by C.
Protein change: p.Lys379Asn; replaces lysine 379 with asparagine.
Molecular consequence: missense variant. On other transcripts: non-coding transcript variant (2), intron variant (3).
Genome position (GRCh38, 1-based): chr2:214,780,737, T>G on the plus strand (A>C on the coding strand, the complement: BARD1 is on the minus strand). VCF-style: chr2-214780737-T-G. GRCh37 (hg19) VCF-style: chr2-215645461-T-G.
Other names: c.1080A>C, p.Lys360Asn (NM_001282543.2); c.159-28182A>C (NM_001282548.2); c.215+16324A>C (NM_001282545.2); c.364+11560A>C (NM_001282549.2); short protein forms K379N, K360N.
Identifiers: ClinVar variation 406786 (VCV000406786.22), dbSNP rs1060501306, ClinGen allele CA16610736.

ClinVar aggregate classification (germline): Conflicting classifications of pathogenicity. Review status: criteria provided, conflicting classifications (1 of 4 stars). 6 submissions from 6 submitters: Uncertain significance (4); Likely benign (1). 1 of the submissions does not count toward it. Last evaluated 2026-01-02.

Conditions:
Hereditary cancer-predisposing syndrome. Also called: Hereditary Cancer Syndrome; Hereditary neoplastic syndrome; Neoplastic Syndromes, Hereditary; Tumor predisposition. Identifiers: Orphanet 140162, MedGen C0027672, MeSH D009386, MONDO:0015356.
Familial cancer of breast. Also called: BREAST CANCER, FAMILIAL; Hereditary breast cancer; hereditary breast carcinoma. Identifiers: Orphanet 227535, MedGen C0346153, MONDO:0016419, OMIM 114480. Disease mechanism: loss of function.

Allele frequency attached by ClinVar (database versions not stated): TOPMed 0.00001.
gnomAD v4.1: 1 of 1,614,082 alleles (0.000062%); highest among the groups gnomAD compares: Non-Finnish European, 0.000085%; no homozygotes.

Submissions (6):

Labcorp Genetics (formerly Invitae), Labcorp
Classification: Uncertain significance for Familial cancer of breast. Last evaluated: 2026-01-02. Review status: criteria provided, single submitter. Criteria: Invitae Variant Classification Sherloc (09022015). Collection method: clinical testing. Allele origin: germline.
Comment: This sequence change replaces lysine, which is basic and polar, with asparagine, which is neutral and polar, at codon 379 of the BARD1 protein (p.Lys379Asn). This variant is not present in population databases (gnomAD no frequency). This variant has not been reported in the literature in individuals affected with BARD1-related conditions. ClinVar contains an entry for this variant (Variation ID: 406786). An algorithm developed to predict the effect of missense changes on protein structure and function (PolyPhen-2) suggests that this variant is likely to be tolerated. In summary, the available evidence is currently insufficient to determine the role of this variant in disease. Therefore, it has been classified as a Variant of Uncertain Significance.

Color Diagnostics, LLC DBA Color Health
Classification: Uncertain significance for Hereditary cancer-predisposing syndrome. Last evaluated: 2024-03-06. Review status: criteria provided, single submitter. Criteria: ACMG Guidelines, 2015. Collection method: clinical testing. Allele origin: germline.
Comment: This missense variant replaces lysine with asparagine at codon 379 of the BARD1 protein. Computational prediction suggests that this variant may not impact protein structure and function (internally defined REVEL score threshold <= 0.5, PMID: 27666373). To our knowledge, functional studies have not been reported for this variant. This variant has not been reported in individuals affected with hereditary cancer in the literature. This variant has not been identified in the general population by the Genome Aggregation Database (gnomAD). The available evidence is insufficient to determine the role of this variant in disease conclusively. Therefore, this variant is classified as a Variant of Uncertain Significance.

Ambry Genetics
Classification: Likely benign for Hereditary cancer-predisposing syndrome. Last evaluated: 2024-02-26. Review status: criteria provided, single submitter. Criteria: Ambry Variant Classification Scheme 2023. Collection method: clinical testing. Allele origin: germline.

Baylor Genetics
Classification: Uncertain significance for Familial cancer of breast. Last evaluated: 2023-05-22. Review status: criteria provided, single submitter. Criteria: ACMG Guidelines, 2015. Collection method: clinical testing. Allele origin: unknown.

Myriad Genetics, Inc.
Classification: Uncertain significance for Familial cancer of breast. Last evaluated: 2023-02-23. Review status: criteria provided, single submitter. Criteria: Myriad Autosomal Dominant, Autosomal Recessive and X-Linked Classification Criteria (2023). Collection method: clinical testing. Allele origin: unknown.
Comment: This variant is classified as a variant of uncertain significance as there is insufficient evidence to determine its impact on protein function and/or cancer risk.

Counsyl
Classification: Uncertain significance for Familial cancer of breast. Last evaluated: 2018-01-23. Review status: no assertion criteria provided. Collection method: clinical testing. Allele origin: unknown. Not counted in ClinVar's aggregate classification.